The following is an entry in ClinVar:

ClinVar aggregate classification (germline): Uncertain significance (1 of 4 stars; one submission).

Conditions:
Costello syndrome (CSTLO). Also called: FACIOCUTANEOSKELETAL SYNDROME; HRAS-Related Costello Syndrome; FCS SYNDROME. Identifiers: Orphanet 3071, MedGen C0587248, MONDO:0009026, OMIM 218040.

Submission:

Labcorp Genetics (formerly Invitae), Labcorp
Classification: Uncertain significance for Costello syndrome. Last evaluated: 2024-02-10. Review status: criteria provided, single submitter. Criteria: Invitae Variant Classification Sherloc (09022015). Collection method: clinical testing. Allele origin: germline.
Comment: This sequence change replaces aspartic acid, which is acidic and polar, with asparagine, which is neutral and polar, at codon 92 of the HRAS protein (p.Asp92Asn). This variant is not present in population databases (gnomAD no frequency). This variant has not been reported in the literature in individuals affected with HRAS-related conditions. ClinVar contains an entry for this variant (Variation ID: 940277). Advanced modeling of protein sequence and biophysical properties (such as structural, functional, and spatial information, amino acid conservation, physicochemical variation, residue mobility, and thermodynamic stability) performed at Invitae indicates that this missense variant is not expected to disrupt HRAS protein function with a negative predictive value of 95%. In summary, the available evidence is currently insufficient to determine the role of this variant in disease. Therefore, it has been classified as a Variant of Uncertain Significance.

NM_005343.4(HRAS):c.274G>A (p.Asp92Asn)

Genes: HRAS (HRas proto-oncogene, GTPase; minus strand), LRRC56 (leucine rich repeat containing 56; plus strand). Cytogenetic location: 11p15.5.
Variant type: single nucleotide variant.
Coding change: c.274G>A on transcript NM_005343.4 (MANE Select); coding-DNA position 274, G replaced by A.
Protein change: p.Asp92Asn; replaces aspartic acid 92 with asparagine.
Molecular consequence: missense variant. On other transcripts: 5 prime UTR variant (1).
Genome position (GRCh38, 1-based): chr11:533,782, C>T on the plus strand (G>A on the coding strand, the complement: HRAS is on the minus strand). VCF-style: chr11-533782-C-T. GRCh37 (hg19) VCF-style: chr11-533782-C-T.
Other names: c.274G>A, p.Asp92Asn (NM_001130442.3, NM_176795.5); c.-46G>A (NM_001318054.2); short protein forms D92N.
Identifiers: ClinVar variation 940277 (VCV000940277.10), dbSNP rs1851271948, ClinGen allele CA378924350.
Genomic context (GRCh38, chr11:533,782, plus strand): 5'-CACCTGTGCGGCGTGGGCTCCCGGGCCAGCCTCACGGGGTTCACCTGTACTGGTGGATGT[C>T]CTCAAAAGACTTGGTGTTGTTGATGGCAAACACACACAGGAAGCCCTCCCCGGTGCGCAT-3'
Protein context (NP_005334.1, residues 82-102): FAINNTKSFE[Asp92Asn]IHQYREQIKR